The following is an entry in ClinVar:

ClinVar aggregate classification (germline): Uncertain significance (1 of 4 stars; one submission).

Submission:

Labcorp Genetics (formerly Invitae), Labcorp
Classification: Uncertain significance. Last evaluated: 2022-05-05. Review status: criteria provided, single submitter. Criteria: Invitae Variant Classification Sherloc (09022015). Collection method: clinical testing. Allele origin: germline.
Comment: In summary, the available evidence is currently insufficient to determine the role of this variant in disease. Therefore, it has been classified as a Variant of Uncertain Significance. Algorithms developed to predict the effect of missense changes on protein structure and function are either unavailable or do not agree on the potential impact of this missense change (SIFT: "Deleterious"; PolyPhen-2: "Possibly Damaging"; Align-GVGD: "Class C0"). This variant has not been reported in the literature in individuals affected with HK1-related conditions. This variant is not present in population databases (gnomAD no frequency). This sequence change replaces threonine, which is neutral and polar, with isoleucine, which is neutral and non-polar, at codon 480 of the HK1 protein (p.Thr480Ile).

NM_000188.3(HK1):c.1439C>T (p.Thr480Ile)

Gene: HK1 (hexokinase 1; plus strand). Cytogenetic location: 10q22.1.
Variant type: single nucleotide variant.
Coding change: c.1439C>T on transcript NM_000188.3 (MANE Select); coding-DNA position 1439, C replaced by T.
Protein change: p.Thr480Ile; replaces threonine 480 with isoleucine.
Molecular consequence: missense variant.
Genome position (GRCh38, 1-based): chr10:69,382,660, C>T. VCF-style: chr10-69382660-C-T. GRCh37 (hg19) VCF-style: chr10-71142416-C-T.
Other names: c.1451C>T, p.Thr484Ile (NM_001358263.1, NM_033497.3, NM_033498.3 and 1 more transcripts); c.1436C>T, p.Thr479Ile (NM_033496.3); c.1403C>T, p.Thr468Ile (NM_033500.2); c.1544C>T, p.Thr515Ile (NM_001322365.2); c.1355C>T, p.Thr452Ile (NM_001322366.1); c.1343C>T, p.Thr448Ile (NM_001322367.1); short protein forms T515I, T480I, T484I, T448I, T452I, T468I, T479I.
Identifiers: ClinVar variation 2134471 (VCV002134471.4), dbSNP rs760782163, ClinGen allele CA376909932.